The following is an entry in ClinVar:

NM_001035.3(RYR2):c.10142+3A>G

Gene: RYR2 (ryanodine receptor 2; plus strand). Cytogenetic location: 1q43.
Variant type: single nucleotide variant.
Coding change: c.10142+3A>G on transcript NM_001035.3 (MANE Select); 3 bases into the intron after coding-DNA position 10142, A replaced by G.
Molecular consequence: intron variant.
Genome position (GRCh38, 1-based): chr1:237,709,101, A>G. VCF-style: chr1-237709101-A-G. GRCh37 (hg19) VCF-style: chr1-237872401-A-G.
Other names: c.10142+3A>G (LRG_402t1).
Identifiers: ClinVar variation 463537 (VCV000463537.7), dbSNP rs936725908, ClinGen allele CA39793679.

ClinVar aggregate classification (germline): Uncertain significance. Review status: criteria provided, multiple submitters, no conflicts (2 of 4 stars). 2 submissions from 2 submitters: Uncertain significance (2). Last evaluated 2024-11-28.

Conditions:
Cardiovascular phenotype. Identifiers: MedGen CN230736.
Catecholaminergic polymorphic ventricular tachycardia 1. Also called: VENTRICULAR TACHYCARDIA, STRESS-INDUCED POLYMORPHIC 1; VENTRICULAR TACHYCARDIA, CATECHOLAMINERGIC POLYMORPHIC, 1, WITH OR WITHOUT ATRIAL DYSFUNCTION AND/OR DILATED CARDIOMYOPATHY; RYR2-Related Catecholaminergic Polymorphic Ventricular Tachycardia. Identifiers: Orphanet 3286, MedGen C1631597, MONDO:0011484, OMIM 604772.

Allele frequency attached by ClinVar (database versions not stated): gnomAD exomes below 0.00001; gnomAD 0.00001; TOPMed 0.00002; 1000 Genomes Project 30x 0.00016.
gnomAD v4.1: 4 of 1,559,436 alleles (0.00026%); highest among the groups gnomAD compares: East Asian, 0.0023%; no homozygotes.

Submissions (2):

Labcorp Genetics (formerly Invitae), Labcorp
Classification: Uncertain significance for Catecholaminergic polymorphic ventricular tachycardia 1. Last evaluated: 2024-11-28. Review status: criteria provided, single submitter. Criteria: Invitae Variant Classification Sherloc (09022015). Collection method: clinical testing. Allele origin: germline.
Comment: This sequence change falls in intron 69 of the RYR2 gene. It does not directly change the encoded amino acid sequence of the RYR2 protein. It affects a nucleotide within the consensus splice site. This variant is not present in population databases (gnomAD no frequency). This variant has not been reported in the literature in individuals affected with RYR2-related conditions. ClinVar contains an entry for this variant (Variation ID: 463537). Variants that disrupt the consensus splice site are a relatively common cause of aberrant splicing (PMID: 17576681, 9536098). Algorithms developed to predict the effect of sequence changes on RNA splicing suggest that this variant may disrupt the consensus splice site. In summary, the available evidence is currently insufficient to determine the role of this variant in disease. Therefore, it has been classified as a Variant of Uncertain Significance.

Ambry Genetics
Classification: Uncertain significance for Cardiovascular phenotype. Last evaluated: 2020-11-09. Review status: criteria provided, single submitter. Criteria: Ambry Variant Classification Scheme 2023. Collection method: clinical testing. Allele origin: germline.
Comment: The c.10142+3A>G intronic variant results from an A to G substitution 3 nucleotides after coding exon 69 in the RYR2 gene. This nucleotide position is well conserved in available vertebrate species. In silico splice site analysis predicts that this alteration will not have any significant effect on splicing. Since supporting evidence is limited at this time, the clinical significance of this alteration remains unclear.

Literature cited by the submitters: PubMed 17576681 (cited by Labcorp Genetics (formerly Invitae), Labcorp); PubMed 9536098 (cited by Labcorp Genetics (formerly Invitae), Labcorp).